The following is an entry in ClinVar:

NM_000548.5(TSC2):c.4614A>T (p.Pro1538=)

Gene: TSC2 (TSC complex subunit 2; plus strand). Cytogenetic location: 16p13.3.
Variant type: single nucleotide variant.
Coding change: c.4614A>T on transcript NM_000548.5 (MANE Select); coding-DNA position 4614, A replaced by T.
Protein change: p.Pro1538=; no amino-acid change (proline 1538 retained).
Molecular consequence: synonymous variant. On other transcripts: non-coding transcript variant (5).
Genome position (GRCh38, 1-based): chr16:2,085,274, A>T. VCF-style: chr16-2085274-A-T. GRCh37 (hg19) VCF-style: chr16-2135275-A-T.
Other names: c.4485A>T, p.Pro1495= (NM_001370405.1, NM_021055.3); c.4611A>T, p.Pro1537= (NM_001406663.1); c.4542A>T, p.Pro1514= (NM_001406664.1); c.4536A>T, p.Pro1512= (NM_001406665.1); c.4506A>T, p.Pro1502= (NM_001406667.1); c.4503A>T, p.Pro1501= (NM_001406668.1); c.4434A>T, p.Pro1478= (NM_001406670.1); c.4404A>T, p.Pro1468= (NM_001406671.1); and 26 more.
Identifiers: ClinVar variation 4071159 (VCV004071159.2).
Genomic context (GRCh38, chr16:2,085,274, plus strand): 5'-GCTCTGTGTGCCACAGTCACAGTCCTTTGAGCGGTCGGTGCAGCTCCTCGACCAGATCCC[A>T]TCATACGACACCCACAAGATCGCCGTCCTGTATGTTGGAGAAGGCCAGGTGAGGCTGCGG-3'
Protein context (NP_000539.2, residues 1528-1548): ERSVQLLDQI[Pro1538=]SYDTHKIAVL

ClinVar aggregate classification (germline): Benign/Likely benign. Review status: criteria provided, multiple submitters, no conflicts (2 of 4 stars). 2 submissions from 2 submitters: Benign (1); Likely benign (1). Last evaluated 2026-07-25.

Conditions:
Tuberous sclerosis 2 (TSC2). Identifiers: Orphanet 805, MedGen C1860707, MONDO:0013199, OMIM 613254.
Hereditary cancer-predisposing syndrome. Also called: Neoplastic Syndromes, Hereditary; Tumor predisposition; Hereditary Cancer Syndrome; Hereditary neoplastic syndrome. Identifiers: Orphanet 140162, MedGen C0027672, MeSH D009386, MONDO:0015356.

Submissions (2):

Ambry Genetics
Classification: Likely benign for Hereditary cancer-predisposing syndrome. Last evaluated: 2026-07-25. Review status: criteria provided, single submitter. Criteria: Ambry Variant Classification Scheme 2023. Collection method: clinical testing. Allele origin: germline.

Myriad Genetics, Inc.
Classification: Benign for Tuberous sclerosis 2. Last evaluated: 2025-06-04. Review status: criteria provided, single submitter. Criteria: Myriad Autosomal Dominant, Autosomal Recessive and X-Linked Classification Criteria (2023). Collection method: clinical testing. Allele origin: unknown.
Comment: This variant is considered benign. This variant is a silent/synonymous amino acid change and it is not expected to impact splicing.